The following is an entry in ClinVar:

NM_014727.3(KMT2B):c.6734T>C (p.Val2245Ala)

Gene: KMT2B (lysine methyltransferase 2B; plus strand). Cytogenetic location: 19q13.12.
Variant type: single nucleotide variant.
Coding change: c.6734T>C on transcript NM_014727.3 (MANE Select); coding-DNA position 6734, T replaced by C.
Protein change: p.Val2245Ala; replaces valine 2245 with alanine.
Molecular consequence: missense variant.
Genome position (GRCh38, 1-based): chr19:35,733,283, T>C. VCF-style: chr19-35733283-T-C. GRCh37 (hg19) VCF-style: chr19-36224184-T-C.
Other names: short protein forms V2245A.
Identifiers: ClinVar variation 3662612 (VCV003662612.2).

ClinVar aggregate classification (germline): Uncertain significance (1 of 4 stars; one submission).

gnomAD v4.1: 1 of 1,369,080 alleles (0.000073%); highest among the groups gnomAD compares: Non-Finnish European, 0.000098%; no homozygotes.

Submission:

Labcorp Genetics (formerly Invitae), Labcorp
Classification: Uncertain significance. Last evaluated: 2025-02-03. Review status: criteria provided, single submitter. Criteria: Invitae Variant Classification Sherloc (09022015). Collection method: clinical testing. Allele origin: germline.
Comment: This sequence change replaces valine, which is neutral and non-polar, with alanine, which is neutral and non-polar, at codon 2245 of the KMT2B protein (p.Val2245Ala). This variant is not present in population databases (gnomAD no frequency). This variant has not been reported in the literature in individuals affected with KMT2B-related conditions. Invitae Evidence Modeling of protein sequence and biophysical properties (such as structural, functional, and spatial information, amino acid conservation, physicochemical variation, residue mobility, and thermodynamic stability) indicates that this missense variant is not expected to disrupt KMT2B protein function with a negative predictive value of 95%. In summary, the available evidence is currently insufficient to determine the role of this variant in disease. Therefore, it has been classified as a Variant of Uncertain Significance.